The following is an entry in ClinVar:

NM_000340.2(SLC2A2):c.995C>T (p.Thr332Met)

Gene: SLC2A2 (solute carrier family 2 member 2; minus strand). Cytogenetic location: 3q26.2.
Variant type: single nucleotide variant.
Coding change: c.995C>T on transcript NM_000340.2 (MANE Select); coding-DNA position 995, C replaced by T.
Protein change: p.Thr332Met; replaces threonine 332 with methionine.
Molecular consequence: missense variant.
Genome position (GRCh38, 1-based): chr3:171,002,649, G>A on the plus strand (C>T on the coding strand, the complement: SLC2A2 is on the minus strand). VCF-style: chr3-171002649-G-A. GRCh37 (hg19) VCF-style: chr3-170720438-G-A.
Other names: c.638C>T, p.Thr213Met (NM_001278658.2); c.476C>T, p.Thr159Met (NM_001278659.2); short protein forms T159M, T332M, T213M.
Identifiers: ClinVar variation 901739 (VCV000901739.12), dbSNP rs751917665, ClinGen allele CA2702521.
Genomic context (GRCh38, chr3:171,002,649, plus strand): 5'-AAAACCATGTTTACAGCGCCAACTCCAATGGTTGCATAAACAGGTTTGCTGATACCAGCC[G>A]TCTGAAAAATGCTGGTTGAGTAGTAAAAAATCTGCAAAGTAAAAACAGGTTAGCCTTAAT-3'
Protein context (NP_000331.1, residues 322-342): IFYYSTSIFQ[Thr332Met]AGISKPVYAT

ClinVar aggregate classification (germline): Uncertain significance. Review status: criteria provided, multiple submitters, no conflicts (2 of 4 stars). 4 submissions from 4 submitters: Uncertain significance (4). Last evaluated 2025-08-25.

Conditions:
Fanconi-Bickel syndrome (FBS). Also called: FANCONI SYNDROME WITH INTESTINAL MALABSORPTION AND GALACTOSE INTOLERANCE; HEPATIC GLYCOGENOSIS WITH AMINO ACIDURIA AND GLUCOSURIA; HEPATIC GLYCOGENOSIS WITH FANCONI NEPHROPATHY; HEPATORENAL GLYCOGENOSIS WITH RENAL FANCONI SYNDROME; PSEUDO-PHLORIZIN DIABETES; Glycogen storage disease due to GLUT2 deficiency. Identifiers: Orphanet 2088, MedGen C3495427, MONDO:0009216, OMIM 227810.
Inborn genetic diseases. Identifiers: MedGen C0950123, MeSH D030342.
Type 2 diabetes mellitus. Also called: Type II diabetes mellitus. Identifiers: MedGen C0011860, MeSH D003924, MONDO:0005148, OMIM 125853, HP:0005978.

Allele frequency attached by ClinVar (database versions not stated): TOPMed 0.00006; gnomAD 0.00009; ExAC 0.00002; gnomAD exomes 0.00002 and 0.00004.
gnomAD v4.1: 75 of 1,608,946 alleles (0.0047%); highest among the groups gnomAD compares: Middle Eastern, 0.016%; no homozygotes.

Submissions (4):

Ambry Genetics
Classification: Uncertain significance for Inborn genetic diseases. Last evaluated: 2025-08-25. Review status: criteria provided, single submitter. Criteria: Ambry Variant Classification Scheme 2023. Collection method: clinical testing. Allele origin: germline.

Fulgent Genetics
Classification: Uncertain significance for Type 2 diabetes mellitus; Fanconi-Bickel syndrome. Last evaluated: 2024-04-11. Review status: criteria provided, single submitter. Criteria: ACMG Guidelines, 2015. Collection method: clinical testing. Allele origin: germline.

Labcorp Genetics (formerly Invitae), Labcorp
Classification: Uncertain significance for Fanconi-Bickel syndrome. Last evaluated: 2023-12-19. Review status: criteria provided, single submitter. Criteria: Invitae Variant Classification Sherloc (09022015). Collection method: clinical testing. Allele origin: germline.
Comment: This sequence change replaces threonine, which is neutral and polar, with methionine, which is neutral and non-polar, at codon 332 of the SLC2A2 protein (p.Thr332Met). This variant is present in population databases (rs751917665, gnomAD 0.01%). This variant has not been reported in the literature in individuals affected with SLC2A2-related conditions. ClinVar contains an entry for this variant (Variation ID: 901739). Advanced modeling of protein sequence and biophysical properties (such as structural, functional, and spatial information, amino acid conservation, physicochemical variation, residue mobility, and thermodynamic stability) performed at Invitae indicates that this missense variant is not expected to disrupt SLC2A2 protein function with a negative predictive value of 80%. In summary, the available evidence is currently insufficient to determine the role of this variant in disease. Therefore, it has been classified as a Variant of Uncertain Significance.

Illumina Laboratory Services, Illumina
Classification: Uncertain significance for Fanconi-Bickel syndrome. Last evaluated: 2018-01-12. Review status: criteria provided, single submitter. Criteria: ICSL Variant Classification Criteria 13 December 2019. Collection method: clinical testing. Allele origin: germline.